The following is an entry in ClinVar:

NM_000059.4(BRCA2):c.1381G>T (p.Glu461Ter)

Gene: BRCA2 (BRCA2 DNA repair associated; plus strand). Cytogenetic location: 13q13.1.
Variant type: single nucleotide variant.
Coding change: c.1381G>T on transcript NM_000059.4 (MANE Select); coding-DNA position 1381, G replaced by T.
Protein change: p.Glu461Ter; replaces glutamic acid 461 with a stop codon.
Molecular consequence: nonsense.
Genome position (GRCh38, 1-based): chr13:32,332,859, G>T. VCF-style: chr13-32332859-G-T. GRCh37 (hg19) VCF-style: chr13-32906996-G-T.
Other names: short protein forms E461*.
Identifiers: ClinVar variation 440457 (VCV000440457.6), dbSNP rs587782159, ClinGen allele CA387762984.

ClinVar aggregate classification (germline): Pathogenic. Review status: reviewed by expert panel (3 of 4 stars). 2 submissions from 2 submitters: Pathogenic (1). 1 of the submissions does not count toward it. Last evaluated 2017-12-15.

Conditions:
Breast-ovarian cancer, familial, susceptibility to, 2 (BROVCA2). Also called: BRCA2 Hereditary Breast and Ovarian Cancer. Identifiers: Orphanet 145, MedGen C2675520, MONDO:0012933, OMIM 612555. Disease mechanism: loss of function.
Hereditary breast ovarian cancer syndrome. Also called: Hereditary breast and ovarian cancer syndrome; BRCA1- and BRCA2-Associated Hereditary Breast and Ovarian Cancer; Hereditary breast and ovarian cancer syndrome (HBOC); Hereditary breast and/or ovarian cancer syndrome; Hereditary breast and ovarian cancer; Breast and ovarian cancer. Identifiers: Orphanet 145, MedGen C0677776, MeSH D061325, MONDO:0003582. Disease mechanism: loss of function.

Submissions (2):

Evidence-based Network for the Interpretation of Germline Mutant Alleles (ENIGMA)
Classification: Pathogenic for Breast-ovarian cancer, familial, susceptibility to, 2. Last evaluated: 2017-12-15. Review status: reviewed by expert panel. Criteria: ENIGMA BRCA1/2 Classification Criteria (2017-06-29). Collection method: curation. Allele origin: germline. Study: ENIGMA.
Comment: Variant allele predicted to encode a truncated non-functional protein.

Laboratory for Molecular Medicine, Mass General Brigham Personalized Medicine
Classification: Pathogenic for Hereditary breast ovarian cancer syndrome. Last evaluated: 2017-01-31. Review status: criteria provided, single submitter. Criteria: LMM Criteria. Collection method: clinical testing. Allele origin: germline. Inheritance: Autosomal dominant inheritance. Observed: 1 variant allele. Not counted in ClinVar's aggregate classification.
Comment: The p.Glu461X variant in BRCA2 has not been previously reported in individuals w ith BRCA1-associated cancers or in large population studies. This nonsense varia nt leads to a premature termination codon at position 461, which is predicted to lead to a truncated or absent protein. Heterozygous loss of function of the BRC A2 gene is an established disease mechanism in individuals with hereditary breas t and ovarian cancer (HBOC). In summary, this variant meets criteria to be class ified as pathogenic for HBOC in an autosomal dominant manner based upon the pred icted impact to the protein.